The following is an entry in ClinVar:

NM_001375524.1(TRRAP):c.8364G>A (p.Glu2788=)

Gene: TRRAP (transformation/transcription domain associated protein; plus strand). Cytogenetic location: 7q22.1.
Variant type: single nucleotide variant.
Coding change: c.8364G>A on transcript NM_001375524.1 (MANE Select); coding-DNA position 8364, G replaced by A.
Protein change: p.Glu2788=; no amino-acid change (glutamic acid 2788 retained).
Molecular consequence: synonymous variant.
Genome position (GRCh38, 1-based): chr7:98,977,055, G>A. VCF-style: chr7-98977055-G-A. GRCh37 (hg19) VCF-style: chr7-98574678-G-A.
Other names: c.8343G>A, p.Glu2781= (NM_001244580.2); c.8289G>A, p.Glu2763= (NM_003496.4).
Identifiers: ClinVar variation 4987926 (VCV004987926.1).

ClinVar aggregate classification (germline): Likely benign (1 of 4 stars; one submission).

Conditions:
TRRAP-related disorder. Also called: TRRAP-related condition.

gnomAD v4.1: 11 of 1,614,206 alleles (0.00068%); highest among the groups gnomAD compares: South Asian, 0.0099%; no homozygotes.

Submission:

PreventionGenetics, part of Exact Sciences
Classification: Likely benign for TRRAP-related condition. Last evaluated: 2025-10-01. Review status: criteria provided, single submitter. Criteria: ACMG Guidelines, 2015. Collection method: clinical testing. Allele origin: germline.
Comment: This variant is classified as likely benign based on ACMG/AMP sequence variant interpretation guidelines (Richards et al. 2015 PMID: 25741868, with internal and published modifications).